The following is an entry in ClinVar:

NM_001244008.2(KIF1A):c.2317C>T (p.Pro773Ser)

Gene: KIF1A (kinesin family member 1A; minus strand). Cytogenetic location: 2q37.3.
Variant type: single nucleotide variant.
Coding change: c.2317C>T on transcript NM_001244008.2 (MANE Select); coding-DNA position 2317, C replaced by T.
Protein change: p.Pro773Ser; replaces proline 773 with serine.
Molecular consequence: missense variant.
Genome position (GRCh38, 1-based): chr2:240,760,792, G>A on the plus strand (C>T on the coding strand, the complement: KIF1A is on the minus strand). VCF-style: chr2-240760792-G-A. GRCh37 (hg19) VCF-style: chr2-241700209-G-A.
Other names: c.2317C>T, p.Pro773Ser (NM_001320705.2, NM_001330289.2, NM_001379638.1); c.2392C>T, p.Pro798Ser (NM_001330290.2, NM_001379631.1, NM_001379634.1 and 2 more transcripts); c.2290C>T, p.Pro764Ser (NM_001379632.1, NM_001379633.1, NM_001379636.1 and 11 more transcripts); c.2365C>T, p.Pro789Ser (NM_001379637.1, NM_001379648.1); short protein forms P764S, P773S, P789S, P798S.
Identifiers: ClinVar variation 2939873 (VCV002939873.3), dbSNP rs2537601062, ClinGen allele CA351325009.

ClinVar aggregate classification (germline): Uncertain significance (1 of 4 stars; one submission).

Conditions:
Neuropathy, hereditary sensory, type 2C. Also called: KIF1A-Related HSAN2 (HSAN2C); Hereditary sensory and autonomic neuropathy type IIC. Identifiers: Orphanet 970, MedGen C3280168, MONDO:0013634, OMIM 614213.
Hereditary spastic paraplegia 30. Identifiers: Orphanet 101010, MedGen C5235139, MONDO:0012476.
Intellectual disability, autosomal dominant 9 (NESCAVS). Also called: NESCAV SYNDROME; KIF1A-Related Neurodevelopmental Disorder. Identifiers: Orphanet 662367, MedGen C5393830, MONDO:0013656, OMIM 614255.

Submission:

Labcorp Genetics (formerly Invitae), Labcorp
Classification: Uncertain significance for Hereditary spastic paraplegia 30; Neuropathy, hereditary sensory, type 2C; Intellectual disability, autosomal dominant 9. Last evaluated: 2023-01-20. Review status: criteria provided, single submitter. Criteria: Invitae Variant Classification Sherloc (09022015). Collection method: clinical testing. Allele origin: germline.
Comment: This variant is not present in population databases (gnomAD no frequency). This sequence change replaces proline, which is neutral and non-polar, with serine, which is neutral and polar, at codon 764 of the KIF1A protein (p.Pro764Ser). In summary, the available evidence is currently insufficient to determine the role of this variant in disease. Therefore, it has been classified as a Variant of Uncertain Significance. Advanced modeling of protein sequence and biophysical properties (such as structural, functional, and spatial information, amino acid conservation, physicochemical variation, residue mobility, and thermodynamic stability) has been performed at Invitae for this missense variant, however the output from this modeling did not meet the statistical confidence thresholds required to predict the impact of this variant on KIF1A protein function. This variant has not been reported in the literature in individuals affected with KIF1A-related conditions.